The following is an entry in ClinVar:

ClinVar aggregate classification (germline): Uncertain significance (1 of 4 stars; one submission).

Conditions:
Combined immunodeficiency with skin granulomas. Identifiers: Orphanet 157949, MedGen C2673536, MONDO:0009306, OMIM 233650.
Severe combined immunodeficiency, autosomal recessive, T cell-negative, B cell-negative, NK cell-positive. Also called: SCID, T CELL-NEGATIVE, B CELL-NEGATIVE, NK CELL-POSITIVE; SCID, AR, T-cell negative, B-cell negative, NK cell-positive; Severe combined immunodeficiency due to complete RAG1/2 deficiency. Identifiers: Orphanet 331206, MedGen C1832322, MONDO:0011086, OMIM 601457.

Submission:

Labcorp Genetics (formerly Invitae), Labcorp
Classification: Uncertain significance for Combined immunodeficiency with skin granulomas; Severe combined immunodeficiency, autosomal recessive, T cell-negative, B cell-negative, NK cell-positive. Last evaluated: 2025-03-10. Review status: criteria provided, single submitter. Criteria: Invitae Variant Classification Sherloc (09022015). Collection method: clinical testing. Allele origin: germline.
Comment: This sequence change replaces aspartic acid, which is acidic and polar, with asparagine, which is neutral and polar, at codon 354 of the RAG2 protein (p.Asp354Asn). This variant is present in population databases (no rsID available, gnomAD 0.003%). This variant has not been reported in the literature in individuals affected with RAG2-related conditions. Invitae Evidence Modeling of protein sequence and biophysical properties (such as structural, functional, and spatial information, amino acid conservation, physicochemical variation, residue mobility, and thermodynamic stability) indicates that this missense variant is not expected to disrupt RAG2 protein function with a negative predictive value of 80%. In summary, the available evidence is currently insufficient to determine the role of this variant in disease. Therefore, it has been classified as a Variant of Uncertain Significance.

NM_000536.4(RAG2):c.1060G>A (p.Asp354Asn)

Gene: RAG2 (recombination activating 2; minus strand). Cytogenetic location: 11p12.
Variant type: single nucleotide variant.
Coding change: c.1060G>A on transcript NM_000536.4 (MANE Select); coding-DNA position 1060, G replaced by A.
Protein change: p.Asp354Asn; replaces aspartic acid 354 with asparagine.
Molecular consequence: missense variant.
Genome position (GRCh38, 1-based): chr11:36,593,109, C>T on the plus strand (G>A on the coding strand, the complement: RAG2 is on the minus strand). VCF-style: chr11-36593109-C-T. GRCh37 (hg19) VCF-style: chr11-36614659-C-T.
Other names: c.1060G>A, p.Asp354Asn (NM_001243785.2, NM_001243786.2); short protein forms D354N.
Identifiers: ClinVar variation 3747989 (VCV003747989.2).